The following is an entry in ClinVar:

ClinVar aggregate classification (germline): Uncertain significance (1 of 4 stars; one submission).

Conditions:
Early-infantile DEE. Also called: Early infantile epileptic encephalopathy; Ohtahara syndrome; Early infantile epileptic encephalopathy with suppression bursts. Identifiers: Orphanet 1934, MedGen C0393706, MONDO:0800491.

Allele frequency attached by ClinVar (database versions not stated): gnomAD exomes below 0.00001.
gnomAD v4.1: 1 of 1,605,234 alleles (0.000062%); highest among the groups gnomAD compares: Non-Finnish European, 0.000085%; no homozygotes.

Submission:

Labcorp Genetics (formerly Invitae), Labcorp
Classification: Uncertain significance for Early-infantile DEE. Last evaluated: 2022-03-18. Review status: criteria provided, single submitter. Criteria: Invitae Variant Classification Sherloc (09022015). Collection method: clinical testing. Allele origin: germline.
Comment: This sequence change replaces glutamic acid, which is acidic and polar, with lysine, which is basic and polar, at codon 1153 of the SCN8A protein (p.Glu1153Lys). This variant is not present in population databases (gnomAD no frequency). This missense change has been observed in individual(s) with clinical features of SCN8A-related conditions (PMID: 29186148). Algorithms developed to predict the effect of missense changes on protein structure and function are either unavailable or do not agree on the potential impact of this missense change (SIFT: "Deleterious"; PolyPhen-2: "Benign"; Align-GVGD: "Class C0"). In summary, the available evidence is currently insufficient to determine the role of this variant in disease. Therefore, it has been classified as a Variant of Uncertain Significance.

Literature cited by the submitters: PubMed 29186148.

NM_001330260.2(SCN8A):c.3457G>A (p.Glu1153Lys)

Gene: SCN8A (sodium voltage-gated channel alpha subunit 8; plus strand). Cytogenetic location: 12q13.13.
Variant type: single nucleotide variant.
Coding change: c.3457G>A on transcript NM_001330260.2 (MANE Select); coding-DNA position 3457, G replaced by A.
Protein change: p.Glu1153Lys; replaces glutamic acid 1153 with lysine.
Molecular consequence: missense variant.
Genome position (GRCh38, 1-based): chr12:51,769,952, G>A. VCF-style: chr12-51769952-G-A. GRCh37 (hg19) VCF-style: chr12-52163736-G-A.
Other names: c.3457G>A, p.Glu1153Lys (NM_001177984.3, NM_001369788.1, NM_014191.4); short protein forms E1153K.
Identifiers: ClinVar variation 1407242 (VCV001407242.7), dbSNP rs2138870339, ClinGen allele CA384895528.